The following is an entry in ClinVar:

NM_001035.3(RYR2):c.3321G>A (p.Thr1107=)

Gene: RYR2 (ryanodine receptor 2; plus strand). Cytogenetic location: 1q43.
Variant type: single nucleotide variant.
Coding change: c.3321G>A on transcript NM_001035.3 (MANE Select); coding-DNA position 3321, G replaced by A.
Protein change: p.Thr1107=; no amino-acid change (threonine 1107 retained).
Molecular consequence: synonymous variant.
Genome position (GRCh38, 1-based): chr1:237,566,673, G>A. VCF-style: chr1-237566673-G-A. GRCh37 (hg19) VCF-style: chr1-237729973-G-A.
Other names: c.3321G>A, p.Thr1107= (LRG_402t1).
Identifiers: ClinVar variation 463595 (VCV000463595.16), dbSNP rs377716608, ClinGen allele CA086354.

ClinVar aggregate classification (germline): Likely benign. Review status: criteria provided, multiple submitters, no conflicts (2 of 4 stars). 4 submissions from 4 submitters: Likely benign (4). Last evaluated 2025-12-16.

Conditions:
Cardiovascular phenotype. Identifiers: MedGen CN230736.
Catecholaminergic polymorphic ventricular tachycardia (CVPT). Also called: Catecholamine-induced polymorphic ventricular tachycardia. Identifiers: Orphanet 3286, MedGen C5574922, MONDO:0017990.
Cardiomyopathy (CMYO). Also called: Cardiomyopathies. Identifiers: Orphanet 167848, MedGen C0878544, MONDO:0004994, HP:0001638. Inheritance: Various modes of inheritance.
Catecholaminergic polymorphic ventricular tachycardia 1. Also called: VENTRICULAR TACHYCARDIA, STRESS-INDUCED POLYMORPHIC 1; VENTRICULAR TACHYCARDIA, CATECHOLAMINERGIC POLYMORPHIC, 1, WITH OR WITHOUT ATRIAL DYSFUNCTION AND/OR DILATED CARDIOMYOPATHY; RYR2-Related Catecholaminergic Polymorphic Ventricular Tachycardia. Identifiers: Orphanet 3286, MedGen C1631597, MONDO:0011484, OMIM 604772.

Allele frequency attached by ClinVar (database versions not stated): ExAC 0.00002; TOPMed 0.00002; ESP Exome Variant Server 0.00008.
gnomAD v4.1: 33 of 1,613,874 alleles (0.002%); highest among the groups gnomAD compares: South Asian, 0.0099%; no homozygotes.

Submissions (4):

Labcorp Genetics (formerly Invitae), Labcorp
Classification: Likely benign for Catecholaminergic polymorphic ventricular tachycardia 1. Last evaluated: 2025-12-16. Review status: criteria provided, single submitter. Criteria: Invitae Variant Classification Sherloc (09022015). Collection method: clinical testing. Allele origin: germline.

Ambry Genetics
Classification: Likely benign for Cardiovascular phenotype. Last evaluated: 2025-11-08. Review status: criteria provided, single submitter. Criteria: Ambry Variant Classification Scheme 2023. Collection method: clinical testing. Allele origin: germline.

All of Us Research Program, National Institutes of Health
Classification: Likely benign for Catecholaminergic polymorphic ventricular tachycardia. Last evaluated: 2024-01-11. Review status: criteria provided, single submitter. Criteria: ACMG Guidelines, 2015. Collection method: clinical testing. Allele origin: germline. Inheritance: Autosomal dominant inheritance. Observed: 7 variant alleles, 7 heterozygotes.
Comment: This study involves interpretation of variants in research participants for the purpose of population health screening. Participant phenotype was not available at the time of variant classification. Additional details can be found in publication PMID: 35346344, PMCID: PMC8962531

Color Diagnostics, LLC DBA Color Health
Classification: Likely benign for Cardiomyopathy. Last evaluated: 2019-02-01. Review status: criteria provided, single submitter. Criteria: ACMG Guidelines, 2015. Collection method: clinical testing. Allele origin: germline.